The following is an entry in ClinVar:

NM_080646.2(TBX1):c.1143_1149delinsTGGGTATTG (p.Phe382fs)

Gene: TBX1 (T-box transcription factor 1; plus strand). Cytogenetic location: 22q11.21.
Variant type: Indel.
Coding change: c.1143_1149delinsTGGGTATTG on transcript NM_080646.2; coding-DNA positions 1143 to 1149, CTTCAAT replaced by TGGGTATTG.
Protein change: p.Phe382fs; shifts the reading frame from phenylalanine 382.
Molecular consequence: frameshift variant. On other transcripts: intron variant (1).
Genome position (GRCh38, 1-based): chr22:19,779,353-19,779,359, CTTCAAT replaced by TGGGTATTG. VCF-style: chr22-19779353-CTTCAAT-TGGGTATTG. GRCh37 (hg19) VCF-style: chr22-19766876-CTTCAAT-TGGGTATTG.
Other names: c.1010-3560_1010-3554delinsTGGGTATTG (NM_005992.1); short protein forms F382fs.
Identifiers: ClinVar variation 2505066 (VCV002505066.5), dbSNP rs2517874435, ClinGen allele CA2580615246.

ClinVar aggregate classification (germline): Uncertain significance (1 of 4 stars; one submission).

Conditions:
Velocardiofacial syndrome (VCFS). Also called: SHPRINTZEN VCF SYNDROME; VCF SYNDROME; Shprintzen syndrome. Identifiers: Orphanet 567, MedGen C0220704, MONDO:0008644, OMIM 192430. Disease mechanism: loss of function.
DiGeorge syndrome. Also called: THIRD AND FOURTH PHARYNGEAL POUCH SYNDROME; Catch22. Identifiers: Orphanet 567, MedGen C0012236, MONDO:0008564, OMIM 188400.
Tetralogy of Fallot (TOF). Identifiers: Orphanet 3303, MedGen C0039685, MONDO:0008542, OMIM 187500, HP:0001636.
Conotruncal heart malformations (CTHM). Also called: Conotruncal heart malformations, variable. Identifiers: Orphanet 2445, Orphanet 3384, Orphanet 3426, MedGen C1857586, MONDO:0016581, OMIM 217095.

Submission:

Dasa
Classification: Uncertain significance. Last evaluated: 2025-01-20. Review status: criteria provided, single submitter. Criteria: DASA Assertion Criteria. Collection method: clinical testing. Allele origin: germline.
Comment: NM_080646.2(TBX1):c.1143_1149delinsTGGGTATTG (p.Phe382Glyfs*3) is a frameshift variant in TBX1 predicted to alter the reading frame and introduce a premature termination codon and is predicted to result in an absent or altered protein product. Loss of function is an established disease mechanism for TBX1-associated disorders. Also, this variant is absent from population databases. The currently available literature and clinical evidence are not sufficient to establish a definitive association between this variant and the reported condition. Therefore, this variant is classified as a variant of uncertain significance.